The following is an entry in ClinVar:

NC_000007.14:g.156791034T>C

Genes: LMBR1 (limb development membrane protein 1; minus strand), SHH (sonic hedgehog signaling molecule; minus strand), ZRS (ZPA regulatory sequence; plus strand). Cytogenetic location: 7q36.3.
Variant type: single nucleotide variant.
Molecular consequence: intron variant (on NM_022458.4).
Genome position: GRCh38 VCF-style: chr7-156791034-T-C. GRCh37 (hg19) VCF-style: chr7-156583728-T-C.
Other names: c.360+5355A>G (NM_001363412.2); c.144+5355A>G (NM_001350954.2); c.423+5355A>G (NM_001363410.2, NM_022458.4, NM_001363409.2 and 1 more transcripts); c.-112+5355A>G (NM_001350958.2, NM_001350956.2, NM_001350955.2 and 1 more transcripts); c.54+5355A>G (NM_001350957.2, NM_001363411.2).
Identifiers: ClinVar variation 3035855 (VCV003035855.2), dbSNP rs78118545, ClinGen allele CA169823433.

ClinVar aggregate classification (germline): Likely benign (0 of 4 stars; one submission).

Conditions:
SHH-related disorder. Also called: SHH-related condition; SHH-related disorders.

Allele frequency attached by ClinVar (database versions not stated): 1000 Genomes Project 30x 0.00016; 1000 Genomes Project 0.00020; TOPMed 0.00078; gnomAD 0.00091.
gnomAD v4.1: 138 of 152,348 alleles (0.091%); highest among the groups gnomAD compares: Non-Finnish European, 0.15%; no homozygotes.

Submission:

PreventionGenetics, part of Exact Sciences
Classification: Likely benign for SHH-related condition. Last evaluated: 2023-05-03. Review status: no assertion criteria provided. Collection method: clinical testing. Allele origin: germline.
Comment: This variant is classified as likely benign based on ACMG/AMP sequence variant interpretation guidelines (Richards et al. 2015 PMID: 25741868, with internal and published modifications).